The following is an entry in ClinVar:

ClinVar aggregate classification (germline): Uncertain significance (1 of 4 stars; one submission).

Conditions:
Supravalvar aortic stenosis (SVAS). Also called: Supravalvar aortic stenosis, Eisenberg type. Identifiers: Orphanet 3193, MedGen C0003499, MONDO:0008504, OMIM 185500, HP:0004381.

Submission:

Labcorp Genetics (formerly Invitae), Labcorp
Classification: Uncertain significance for Supravalvar aortic stenosis. Last evaluated: 2023-01-26. Review status: criteria provided, single submitter. Criteria: Invitae Variant Classification Sherloc (09022015). Collection method: clinical testing. Allele origin: germline.
Comment: This sequence change replaces valine, which is neutral and non-polar, with methionine, which is neutral and non-polar, at codon 459 of the ELN protein (p.Val459Met). This variant is not present in population databases (gnomAD no frequency). This variant has not been reported in the literature in individuals affected with ELN-related conditions. ClinVar contains an entry for this variant (Variation ID: 1056680). Advanced modeling of protein sequence and biophysical properties (such as structural, functional, and spatial information, amino acid conservation, physicochemical variation, residue mobility, and thermodynamic stability) performed at Invitae indicates that this missense variant is not expected to disrupt ELN protein function. In summary, the available evidence is currently insufficient to determine the role of this variant in disease. Therefore, it has been classified as a Variant of Uncertain Significance.

NM_000501.4(ELN):c.1358-241G>A

Gene: ELN (elastin; plus strand). Cytogenetic location: 7q11.23.
Variant type: single nucleotide variant.
Coding change: c.1358-241G>A on transcript NM_000501.4 (MANE Select); 241 bases into the intron before coding-DNA position 1358, G replaced by A.
Molecular consequence: intron variant. On other transcripts: missense variant (1).
Genome position (GRCh38, 1-based): chr7:74,057,399, G>A. VCF-style: chr7-74057399-G-A. GRCh37 (hg19) VCF-style: chr7-73471729-G-A.
Other names: c.1375G>A, p.Val459Met (NM_001278939.2); c.1373-241G>A (NM_001081754.3); c.1372+686G>A (NM_001081753.3); c.1358-241G>A (NM_001278915.2, NM_001278912.2); c.1357+686G>A (NM_001081755.3); c.1315+686G>A (NM_001278916.2); c.1171+686G>A (NM_001278913.2); c.1342+686G>A (NM_001278914.2); and 3 more; short protein forms V459M.
Identifiers: ClinVar variation 1056680 (VCV001056680.9), dbSNP rs1554680844, ClinGen allele CA367882310.